The following is an entry in ClinVar:

ClinVar aggregate classification (germline): Uncertain significance. Review status: criteria provided, multiple submitters, no conflicts (2 of 4 stars). 3 submissions from 3 submitters: Uncertain significance (3). Last evaluated 2025-11-03.

Conditions:
Familial temporal lobe epilepsy 7. Identifiers: Orphanet 101046, MedGen C4225327, MONDO:0014639, OMIM 616436.
Norman-Roberts syndrome (LIS2). Also called: Lissencephaly 2 (Norman-Roberts type). Identifiers: Orphanet 89844, MedGen C0796089, MONDO:0009760, OMIM 257320.

Allele frequency attached by ClinVar (database versions not stated): ExAC 0.00002; TOPMed 0.00005; gnomAD 0.00006 and 0.00007; gnomAD exomes 0.00006 and 0.00012; ESP Exome Variant Server 0.00008.
gnomAD v4.1: 188 of 1,613,778 alleles (0.012%); highest among the groups gnomAD compares: Non-Finnish European, 0.016%; no homozygotes.

Submissions (3):

Labcorp Genetics (formerly Invitae), Labcorp
Classification: Uncertain significance for Familial temporal lobe epilepsy 7; Norman-Roberts syndrome. Last evaluated: 2025-11-03. Review status: criteria provided, single submitter. Criteria: Invitae Variant Classification Sherloc (09022015). Collection method: clinical testing. Allele origin: germline.
Comment: This sequence change replaces asparagine, which is neutral and polar, with serine, which is neutral and polar, at codon 1827 of the RELN protein (p.Asn1827Ser). This variant is present in population databases (rs374941914, gnomAD 0.02%). This variant has not been reported in the literature in individuals affected with RELN-related conditions. ClinVar contains an entry for this variant (Variation ID: 852234). Invitae Evidence Modeling of protein sequence and biophysical properties (such as structural, functional, and spatial information, amino acid conservation, physicochemical variation, residue mobility, and thermodynamic stability) indicates that this missense variant is not expected to disrupt RELN protein function with a negative predictive value of 80%. In summary, the available evidence is currently insufficient to determine the role of this variant in disease. Therefore, it has been classified as a Variant of Uncertain Significance.

Illumina Laboratory Services, Illumina
Classification: Uncertain significance for Norman-Roberts syndrome. Last evaluated: 2018-01-13. Review status: criteria provided, single submitter. Criteria: ICSL Variant Classification Criteria 13 December 2019. Collection method: clinical testing. Allele origin: germline.

Centre for Mendelian Genomics, University Medical Centre Ljubljana
Classification: Uncertain significance for Familial temporal lobe epilepsy 7. Last evaluated: 2016-01-01. Review status: criteria provided, single submitter. Criteria: ACMG Guidelines, 2015. Collection method: clinical testing. Allele origin: unknown. Affected: yes.
Comment: This variant was classified as: Uncertain significance. The following ACMG criteria were applied in classifying this variant: PP4,PP3.

NM_005045.4(RELN):c.5480A>G (p.Asn1827Ser)

Gene: RELN (reelin; minus strand). Cytogenetic location: 7q22.1.
Variant type: single nucleotide variant.
Coding change: c.5480A>G on transcript NM_005045.4 (MANE Select); coding-DNA position 5480, A replaced by G.
Protein change: p.Asn1827Ser; replaces asparagine 1827 with serine.
Molecular consequence: missense variant.
Genome position (GRCh38, 1-based): chr7:103,561,581, T>C on the plus strand (A>G on the coding strand, the complement: RELN is on the minus strand). VCF-style: chr7-103561581-T-C. GRCh37 (hg19) VCF-style: chr7-103202028-T-C.
Other names: c.5480A>G, p.Asn1827Ser (NM_173054.3); short protein forms N1827S.
Identifiers: ClinVar variation 852234 (VCV000852234.14), dbSNP rs374941914, ClinGen allele CA4421197.
Genomic context (GRCh38, chr7:103,561,581, plus strand): 5'-CTGTATCTGACCCCTTTAAAAATTAGAGATGTTCCAGATTTGATGGTTTCACCATTCAGA[T>C]TCCCCCTCTCTGCACCATACACTTCAGGCCAAAGGTCAGGATGTAAATTCCCATTGAAAT-3'
Protein context (NP_005036.2, residues 1817-1837): WPEVYGAERG[Asn1827Ser]LNGETIKSGT